The following is an entry in ClinVar:

ClinVar aggregate classification (germline): Uncertain significance (1 of 4 stars; one submission).

Submission:

Labcorp Genetics (formerly Invitae), Labcorp
Classification: Uncertain significance. Last evaluated: 2023-09-18. Review status: criteria provided, single submitter. Criteria: Invitae Variant Classification Sherloc (09022015). Collection method: clinical testing. Allele origin: germline.
Comment: This sequence change replaces aspartic acid, which is acidic and polar, with tyrosine, which is neutral and polar, at codon 328 of the CTNNA1 protein (p.Asp328Tyr). This variant is not present in population databases (gnomAD no frequency). In summary, the available evidence is currently insufficient to determine the role of this variant in disease. Therefore, it has been classified as a Variant of Uncertain Significance. Advanced modeling of protein sequence and biophysical properties (such as structural, functional, and spatial information, amino acid conservation, physicochemical variation, residue mobility, and thermodynamic stability) performed at Invitae indicates that this missense variant is not expected to disrupt CTNNA1 protein function. ClinVar contains an entry for this variant (Variation ID: 841858). This variant has not been reported in the literature in individuals affected with CTNNA1-related conditions.

NM_001903.5(CTNNA1):c.982G>T (p.Asp328Tyr)

Gene: CTNNA1 (catenin alpha 1; plus strand). Cytogenetic location: 5q31.2.
Variant type: single nucleotide variant.
Coding change: c.982G>T on transcript NM_001903.5 (MANE Select); coding-DNA position 982, G replaced by T.
Protein change: p.Asp328Tyr; replaces aspartic acid 328 with tyrosine.
Molecular consequence: missense variant.
Genome position (GRCh38, 1-based): chr5:138,827,638, G>T. VCF-style: chr5-138827638-G-T. GRCh37 (hg19) VCF-style: chr5-138163327-G-T.
Other names: c.982G>T, p.Asp328Tyr (NM_001290307.3, NM_001323982.2, NM_001323983.1 and 3 more transcripts); c.673G>T, p.Asp225Tyr (NM_001290309.3); c.613G>T, p.Asp205Tyr (NM_001290310.3); short protein forms D225Y, D205Y, D328Y.
Identifiers: ClinVar variation 841858 (VCV000841858.9), dbSNP rs1581178503, ClinGen allele CA361131064.